The following is an entry in ClinVar:

ClinVar aggregate classification (germline): Uncertain significance (1 of 4 stars; one submission).

Allele frequency attached by ClinVar (database versions not stated): ExAC 0.00002; gnomAD 0.00003; TOPMed 0.00002; gnomAD exomes 0.00005.
gnomAD v4.1: 71 of 1,611,190 alleles (0.0044%); highest among the groups gnomAD compares: Non-Finnish European, 0.0057%; no homozygotes.

Submission:

Labcorp Genetics (formerly Invitae), Labcorp
Classification: Uncertain significance. Last evaluated: 2025-12-14. Review status: criteria provided, single submitter. Criteria: Invitae Variant Classification Sherloc (09022015). Collection method: clinical testing. Allele origin: germline.
Comment: This sequence change replaces arginine, which is basic and polar, with glutamine, which is neutral and polar, at codon 683 of the ZNF687 protein (p.Arg683Gln). This variant is present in population databases (rs781157675, gnomAD 0.003%). This variant has not been reported in the literature in individuals affected with ZNF687-related conditions. ClinVar contains an entry for this variant (Variation ID: 2888814). An algorithm developed to predict the effect of missense changes on protein structure and function (PolyPhen-2) suggests that this variant is likely to be tolerated. In summary, the available evidence is currently insufficient to determine the role of this variant in disease. Therefore, it has been classified as a Variant of Uncertain Significance.

NM_020832.3(ZNF687):c.2048G>A (p.Arg683Gln)

Gene: ZNF687 (zinc finger protein 687; plus strand). Cytogenetic location: 1q21.3.
Variant type: single nucleotide variant.
Coding change: c.2048G>A on transcript NM_020832.3 (MANE Select); coding-DNA position 2048, G replaced by A.
Protein change: p.Arg683Gln; replaces arginine 683 with glutamine.
Molecular consequence: missense variant.
Genome position (GRCh38, 1-based): chr1:151,288,339, G>A. VCF-style: chr1-151288339-G-A. GRCh37 (hg19) VCF-style: chr1-151260815-G-A.
Other names: c.2048G>A, p.Arg683Gln (NM_001304763.2, NM_001304764.2); short protein forms R683Q.
Identifiers: ClinVar variation 2888814 (VCV002888814.3), dbSNP rs781157675, ClinGen allele CA1088448.
Genomic context (GRCh38, chr1:151,288,339, plus strand): 5'-CTGCCCCGGCCACCTCTGCTTACACATGCTTTCGCTGCCTGGAGTGCAAGGAACAGTGCC[G>A]GGACAAGGCTGGCATGGCAGCTCACTTCCAGCAGCTCGGCCCCCCTGCCCCTGGGGCCAC-3'
Protein context (NP_065883.1, residues 673-693): FRCLECKEQC[Arg683Gln]DKAGMAAHFQ